The following is an entry in ClinVar:

NM_004655.4(AXIN2):c.1454G>C (p.Gly485Ala)

Gene: AXIN2 (axin 2; minus strand). Cytogenetic location: 17q24.1.
Variant type: single nucleotide variant.
Coding change: c.1454G>C on transcript NM_004655.4 (MANE Select); coding-DNA position 1454, G replaced by C.
Protein change: p.Gly485Ala; replaces glycine 485 with alanine.
Molecular consequence: missense variant.
Genome position (GRCh38, 1-based): chr17:65,537,582, C>G on the plus strand (G>C on the coding strand, the complement: AXIN2 is on the minus strand). VCF-style: chr17-65537582-C-G. GRCh37 (hg19) VCF-style: chr17-63533700-C-G.
Other names: c.1454G>C, p.Gly485Ala (NM_001363813.1); short protein forms G485A.
Identifiers: ClinVar variation 2849615 (VCV002849615.3), dbSNP rs1598099098, ClinGen allele CA400677467.

ClinVar aggregate classification (germline): Uncertain significance (1 of 4 stars; one submission).

Conditions:
Oligodontia-cancer predisposition syndrome. Also called: TOOTH AGENESIS-COLORECTAL CANCER SYNDROME. Identifiers: Orphanet 300576, MedGen C1837750, MONDO:0012075, OMIM 608615. Disease mechanism: loss of function.

Submission:

Labcorp Genetics (formerly Invitae), Labcorp
Classification: Uncertain significance for Oligodontia-cancer predisposition syndrome. Last evaluated: 2023-03-26. Review status: criteria provided, single submitter. Criteria: Invitae Variant Classification Sherloc (09022015). Collection method: clinical testing. Allele origin: germline.
Comment: This sequence change replaces glycine, which is neutral and non-polar, with alanine, which is neutral and non-polar, at codon 485 of the AXIN2 protein (p.Gly485Ala). This variant is not present in population databases (gnomAD no frequency). This variant has not been reported in the literature in individuals affected with AXIN2-related conditions. Advanced modeling of protein sequence and biophysical properties (such as structural, functional, and spatial information, amino acid conservation, physicochemical variation, residue mobility, and thermodynamic stability) performed at Invitae indicates that this missense variant is not expected to disrupt AXIN2 protein function. In summary, the available evidence is currently insufficient to determine the role of this variant in disease. Therefore, it has been classified as a Variant of Uncertain Significance.